The following is an entry in ClinVar:

NM_016373.4:c.(516+1_517-1)_(1056+1_1057-1)del

Gene: WWOX (WW domain containing oxidoreductase; plus strand).
Variant type: Deletion.
Other names: c.(516+1_517-1)_(1056+1_1057-1)del (NM_016373.4).
Identifiers: ClinVar variation 4852473 (VCV004852473.1).

ClinVar aggregate classification (germline): Likely pathogenic (1 of 4 stars; one submission).

Conditions:
Epileptic encephalopathy. Identifiers: MedGen C0543888, HP:0200134.

Submission:

Unidad de Genómica Garrahan, Hospital de Pediatría Garrahan
Classification: Likely pathogenic for Epileptic encephalopathy. Last evaluated: 2024-01-01. Review status: criteria provided, single submitter. Criteria: ACMG/ClinGen CNV Guidelines, 2019. Collection method: clinical testing. Allele origin: germline. Inheritance: Autosomal recessive inheritance. Affected: yes. Observed: 1 variant allele.
Comment: Heterozygous intragenic deletion of WWOX (NM_016373.4), spanning exons 6, 7 and 8 (copy number loss). Approximate size: 600 kb. ACMG/ClinGen CNV criteria applied: 1A, 2E. Identified by NGS gene panel with bioinformatic prediction of copy number variants (DECoN and panelcn.MOPS; Bayes Factor = 30).